The following is an entry in ClinVar:

ClinVar aggregate classification (germline): Pathogenic (1 of 4 stars; one submission).

Conditions:
Charcot-Marie-Tooth disease type 4A. Also called: Charcot-Marie-Tooth disease, demyelinating, autosomal recessive, type 4a. Identifiers: Orphanet 99948, MedGen C1859198, MONDO:0008961, OMIM 214400.

Submission:

Labcorp Genetics (formerly Invitae), Labcorp
Classification: Pathogenic for Charcot-Marie-Tooth disease type 4A. Last evaluated: 2021-03-29. Review status: criteria provided, single submitter. Criteria: Invitae Variant Classification Sherloc (09022015). Collection method: clinical testing. Allele origin: germline.
Comment: This sequence change creates a premature translational stop signal (p.Gly10Glufs*15) in the GDAP1 gene. It is expected to result in an absent or disrupted protein product. Loss-of-function variants in GDAP1 are known to be pathogenic (PMID: 11743580). For these reasons, this variant has been classified as Pathogenic. This variant has been observed in individual(s) with Charcot-Marie-Tooth disease (PMID: 20685671). This variant is not present in population databases (ExAC no frequency).

Literature cited by the submitters: PubMed 11743580; PubMed 20685671.

NM_018972.4(GDAP1):c.27_28del (p.Gly10fs)

Genes: GDAP1 (ganglioside induced differentiation associated protein 1; plus strand), LOC130000622 (ATAC-STARR-seq lymphoblastoid active region 27542; plus strand). Cytogenetic location: 8q21.11.
Variant type: Microsatellite.
Coding change: c.27_28del on transcript NM_018972.4 (MANE Select); coding-DNA positions 27 to 28, 2 bases deleted (AG; older notation c.27_28delAG).
Protein change: p.Gly10fs; shifts the reading frame from glycine 10.
Molecular consequence: frameshift variant. On other transcripts: 5 prime UTR variant (2), intron variant (1).
Genome position (GRCh38, 1-based): chr8:74,350,488-74,350,489, AG deleted; deleting any 2 consecutive bases within chr8:74,350,484-74,350,489 gives the same sequence; the c. name uses the placement nearest the transcript's 3' end. VCF-style (leftmost placement, unchanged base first): chr8-74350483-CAG-C. GRCh37 (hg19) VCF-style: chr8-75262718-CAG-C.
Other names: c.-160AG[2] (NM_001362929.2); c.27_28del, p.Gly10fs (NM_001362930.2, NM_001362931.2); c.-112AG[2] (NM_001362932.2); c.-64+12AG[2] (NM_001040875.4); short protein forms G10fs.
Identifiers: ClinVar variation 1458809 (VCV001458809.8), dbSNP rs2131493519, ClinGen allele CA2580617181.